The following is an entry in ClinVar:

ClinVar aggregate classification (germline): Conflicting classifications of pathogenicity. Review status: criteria provided, conflicting classifications (1 of 4 stars). 5 submissions from 5 submitters: Uncertain significance (2); Likely benign (2). 1 of the submissions does not count toward it. Last evaluated 2026-01-13.

Conditions:
DMD-related disorder. Also called: DMD-related condition.
Duchenne muscular dystrophy (DMD). Also called: MUSCULAR DYSTROPHY, PSEUDOHYPERTROPHIC PROGRESSIVE, DUCHENNE TYPE; Duchenne Muscular Dystrophy (DMD). Identifiers: Orphanet 98896, MedGen C0013264, MONDO:0010679, OMIM 310200.
Becker muscular dystrophy (BMD). Also called: Becker Muscular Dystrophy (BMD); MUSCULAR DYSTROPHY, PSEUDOHYPERTROPHIC PROGRESSIVE, BECKER TYPE. Identifiers: Orphanet 98895, MedGen C0917713, MONDO:0010311, OMIM 300376.
Dilated cardiomyopathy 3B (CMD3B). Also called: CMD3B: DMD-Related Dilated Cardiomyopathy; CARDIOMYOPATHY, DILATED, X-LINKED; DMD-Associated Dilated Cardiomyopathy. Identifiers: Orphanet 154, MedGen C3668940, MONDO:0010542, OMIM 302045.

Allele frequency attached by ClinVar (database versions not stated): TOPMed 0.00001; gnomAD exomes 0.00003; ExAC 0.00004.

Submissions (5):

Labcorp Genetics (formerly Invitae), Labcorp
Classification: Likely benign for Duchenne muscular dystrophy. Last evaluated: 2026-01-13. Review status: criteria provided, single submitter. Criteria: Invitae Variant Classification Sherloc (09022015). Collection method: clinical testing. Allele origin: germline.

Revvity Omics, Revvity
Classification: Uncertain significance. Last evaluated: 2023-03-15. Review status: criteria provided, single submitter. Criteria: ACMG Guidelines, 2015. Collection method: clinical testing. Allele origin: germline.

GeneDx
Classification: Likely benign. Last evaluated: 2020-06-18. Review status: criteria provided, single submitter. Criteria: GeneDx Variant Classification Process June 2021. Collection method: clinical testing. Allele origin: germline. Affected: yes.

Fulgent Genetics
Classification: Uncertain significance for Becker muscular dystrophy; Dilated cardiomyopathy 3B; Duchenne muscular dystrophy. Last evaluated: 2018-10-31. Review status: criteria provided, single submitter. Criteria: ACMG Guidelines, 2015. Collection method: clinical testing. Allele origin: unknown.

PreventionGenetics, part of Exact Sciences
Classification: Likely benign for DMD-related condition. Last evaluated: 2023-09-27. Review status: no assertion criteria provided. Collection method: clinical testing. Allele origin: germline. Not counted in ClinVar's aggregate classification.
Comment: This variant is classified as likely benign based on ACMG/AMP sequence variant interpretation guidelines (Richards et al. 2015 PMID: 25741868, with internal and published modifications).

NM_004006.3(DMD):c.5869C>T (p.Arg1957Trp)

Gene: DMD (dystrophin; minus strand). Cytogenetic location: Xp21.1.
Variant type: single nucleotide variant.
Coding change: c.5869C>T on transcript NM_004006.3 (MANE Select); coding-DNA position 5869, C replaced by T.
Protein change: p.Arg1957Trp; replaces arginine 1957 with tryptophan.
Molecular consequence: missense variant.
Genome position (GRCh38, 1-based): chrX:32,342,153, G>A on the plus strand (C>T on the coding strand, the complement: DMD is on the minus strand). VCF-style: chrX-32342153-G-A. GRCh37 (hg19) VCF-style: chrX-32360270-G-A.
Other names: p.R1957W:CGG>TGG; c.5845C>T, p.Arg1949Trp (NM_000109.4); c.5857C>T, p.Arg1953Trp (NM_004009.3); c.5500C>T, p.Arg1834Trp (NM_004010.3); c.1846C>T, p.Arg616Trp (NM_004011.4); c.1837C>T, p.Arg613Trp (NM_004012.4); short protein forms R1957W, R1834W, R613W, R616W, R1953W, R1949W.
Identifiers: ClinVar variation 201753 (VCV000201753.17), dbSNP rs755477994, ClinGen allele CA308406.
Genomic context (GRCh38, chrX:32,342,153, plus strand): 5'-AACTCACAATTTGTGCAAAGTTGAGTCTTCGAAACTGAGCAAATTTGCTCTCAATTTCCC[G>A]CCAGCGCTTGCTGAGCTGGATCTGAGTTGGCTCCACTGCCATTGCGGCCCCATCCTCAGA-3'
Protein context (NP_003997.2, residues 1947-1967): PTQIQLSKRW[Arg1957Trp]EIESKFAQFR